The following is an entry in ClinVar:

NM_001322934.2(NFKB2):c.2208C>T (p.Leu736=)

Gene: NFKB2 (nuclear factor kappa B subunit 2; plus strand). Cytogenetic location: 10q24.32.
Variant type: single nucleotide variant.
Coding change: c.2208C>T on transcript NM_001322934.2 (MANE Select); coding-DNA position 2208, C replaced by T.
Protein change: p.Leu736=; no amino-acid change (leucine 736 retained).
Molecular consequence: synonymous variant.
Genome position (GRCh38, 1-based): chr10:102,401,316, C>T. VCF-style: chr10-102401316-C-T. GRCh37 (hg19) VCF-style: chr10-104161073-C-T.
Other names: c.2208C>T, p.Leu736= (NM_001077494.3, NM_001261403.3, NM_001288724.1 and 1 more transcripts); c.2082C>T, p.Leu694= (NM_001322935.1).
Identifiers: ClinVar variation 4526211 (VCV004526211.1).

ClinVar aggregate classification (germline): Likely benign (1 of 4 stars; one submission).

Submission:

Women's Health and Genetics/Laboratory Corporation of America, LabCorp
Classification: Likely benign. Last evaluated: 2025-07-24. Review status: criteria provided, single submitter. Criteria: LabCorp Variant Classification Summary - May 2015. Collection method: clinical testing. Allele origin: germline.
Comment: Variant summary: NFKB2 c.2208C>T alters a conserved nucleotide resulting in a synonymous change. Consensus agreement among computation tools predict no significant impact on normal splicing. However, these predictions have yet to be confirmed by functional studies. The variant was absent in 243526 control chromosomes (gnomAD). The available data on variant occurrences in the general population are insufficient to allow any conclusion about variant significance. To our knowledge, no occurrence of c.2208C>T in individuals affected with Common Variable Immunodeficiency and no experimental evidence demonstrating its impact on protein function have been reported. No submitters have cited clinical-significance assessments for this variant to ClinVar. Based on the evidence outlined above, the variant was classified as likely benign.